The following is an entry in ClinVar:

ClinVar aggregate classification (germline): Pathogenic (1 of 4 stars; one submission).

Submission:

Labcorp Genetics (formerly Invitae), Labcorp
Classification: Pathogenic. Last evaluated: 2024-01-06. Review status: criteria provided, single submitter. Criteria: Invitae Variant Classification Sherloc (09022015). Collection method: clinical testing. Allele origin: germline.
Comment: This sequence change creates a premature translational stop signal (p.Gln1062*) in the ITGA6 gene. It is expected to result in an absent or disrupted protein product. Loss-of-function variants in ITGA6 are known to be pathogenic (PMID: 9158140, 9185503, 9804362, 27607025). This variant is not present in population databases (gnomAD no frequency). This variant has not been reported in the literature in individuals affected with ITGA6-related conditions. Algorithms developed to predict the effect of sequence changes on RNA splicing suggest that this variant may disrupt the consensus splice site. For these reasons, this variant has been classified as Pathogenic.

Literature cited by the submitters: PubMed 9158140; PubMed 9185503; PubMed 9804362; PubMed 27607025.

NM_000210.4(ITGA6):c.3184C>T (p.Gln1062Ter)

Genes: ITGA6 (integrin subunit alpha 6; plus strand), PDK1-AS1 (PDK1 and ITGA6 antisense RNA 1; minus strand). Cytogenetic location: 2q31.1.
Variant type: single nucleotide variant.
Coding change: c.3184C>T on transcript NM_000210.4 (MANE Select); coding-DNA position 3184, C replaced by T.
Protein change: p.Gln1062Ter; replaces glutamine 1062 with a stop codon.
Molecular consequence: nonsense. On other transcripts: intron variant (3).
Genome position (GRCh38, 1-based): chr2:172,501,841, C>T. VCF-style: chr2-172501841-C-T. GRCh37 (hg19) VCF-style: chr2-173366569-C-T.
Other names: c.2827C>T, p.Gln943Ter (NM_001316306.2); c.3139C>T, p.Gln1047Ter (NM_001365530.2); c.3232-2250C>T (NM_001394928.1); c.3115-2250C>T (NM_001079818.3); c.3070-2250C>T (NM_001365529.2); short protein forms Q1062*, Q1047*, Q943*.
Identifiers: ClinVar variation 2836427 (VCV002836427.3), dbSNP rs1228228638, ClinGen allele CA349300300.